The following is an entry in ClinVar:

NM_000535.7(PMS2):c.81_85del (p.Cys27fs)

Gene: PMS2 (PMS1 homolog 2, mismatch repair system component; minus strand). Cytogenetic location: 7p22.1.
Variant type: Deletion.
Coding change: c.81_85del on transcript NM_000535.7 (MANE Select); coding-DNA positions 81 to 85, 5 bases deleted (CTCTG; older notation c.81_85delCTCTG).
Protein change: p.Cys27fs; shifts the reading frame from cysteine 27.
Molecular consequence: frameshift variant. On other transcripts: 5 prime UTR variant (38), non-coding transcript variant (1), intron variant (7).
Genome position (GRCh38, 1-based): chr7:6,005,970-6,005,974, CAGAG deleted on the plus strand (CTCTG on the coding strand, the reverse complement: PMS2 is on the minus strand); deleting any 5 consecutive bases within chr7:6,005,970-6,005,976 gives the same sequence; the c. name uses the placement nearest the transcript's 3' end. VCF-style (leftmost placement, unchanged base first): chr7-6005969-CCAGAG-C. GRCh37 (hg19) VCF-style: chr7-6045600-CCAGAG-C.
Other names: c.-325_-321del (NM_001322003.2, NM_001322005.2, NM_001322009.2 and 10 more transcripts); c.81_85del, p.Cys27fs (NM_001322006.2, NM_001322014.2, NM_001406868.1 and 10 more transcripts); c.-135_-131del (NM_001322007.2, NM_001406876.1, NM_001406883.1 and 4 more transcripts); c.-804_-800del (NM_001322011.2, NM_001322012.2); c.-404_-400del (NM_001322015.2, NM_001406875.1, NM_001406877.1 and 2 more transcripts); c.267_271del, p.Cys89fs (NM_001406866.1); c.-351_-347del (NM_001406880.1); c.-272_-268del (NM_001406888.1, NM_001406889.1, NM_001406892.1 and 5 more transcripts); and 7 more; short protein forms C27fs, C89fs.
Identifiers: ClinVar variation 4715980 (VCV004715980.1).

ClinVar aggregate classification (germline): Pathogenic (1 of 4 stars; one submission).

Conditions:
Hereditary nonpolyposis colorectal neoplasms. Identifiers: MedGen C0009405, MeSH D003123.

Submission:

Labcorp Genetics (formerly Invitae), Labcorp
Classification: Pathogenic for Hereditary nonpolyposis colorectal neoplasms. Last evaluated: 2025-03-26. Review status: criteria provided, single submitter. Criteria: Invitae Variant Classification Sherloc (09022015). Collection method: clinical testing. Allele origin: germline.
Comment: This sequence change creates a premature translational stop signal (p.Cys27Trpfs*25) in the PMS2 gene. It is expected to result in an absent or disrupted protein product. Loss-of-function variants in PMS2 are known to be pathogenic (PMID: 21376568, 24362816). This variant is not present in population databases (gnomAD no frequency). This variant has not been reported in the literature in individuals affected with PMS2-related conditions. For these reasons, this variant has been classified as Pathogenic.

Literature cited by the submitters: PubMed 21376568; PubMed 24362816.